The following is an entry in ClinVar:

ClinVar aggregate classification (germline): Uncertain significance. Review status: criteria provided, multiple submitters, no conflicts (2 of 4 stars). 2 submissions from 2 submitters: Uncertain significance (2). Last evaluated 2021-08-24.

Conditions:
Autosomal recessive nonsyndromic hearing loss 9. Also called: Deafness, autosomal recessive 9; OTOF-Related Hearing Loss; NEUROSENSORY NONSYNDROMIC RECESSIVE DEAFNESS 9; AUDITORY NEUROPATHY, AUTOSOMAL RECESSIVE, 1, TEMPERATURE-SENSITIVE. Identifiers: Orphanet 90636, MedGen C1832828, MONDO:0010986, OMIM 601071.

Allele frequency attached by ClinVar (database versions not stated): gnomAD exomes 0.00002 and 0.00006; TOPMed 0.00002; gnomAD 0.00004; ExAC 0.00005.
gnomAD v4.1: 94 of 1,609,150 alleles (0.0058%); highest among the groups gnomAD compares: Non-Finnish European, 0.0076%; no homozygotes.

Submissions (2):

Labcorp Genetics (formerly Invitae), Labcorp
Classification: Uncertain significance. Last evaluated: 2021-08-24. Review status: criteria provided, single submitter. Criteria: Invitae Variant Classification Sherloc (09022015). Collection method: clinical testing. Allele origin: germline.
Comment: This sequence change replaces glutamine with lysine at codon 807 of the OTOF protein (p.Gln807Lys). The glutamine residue is highly conserved and there is a small physicochemical difference between glutamine and lysine. This variant is present in population databases (rs750423841, ExAC 0.009%). This variant has not been reported in the literature in individuals affected with OTOF-related conditions. Algorithms developed to predict the effect of missense changes on protein structure and function are either unavailable or do not agree on the potential impact of this missense change (SIFT: "Deleterious"; PolyPhen-2: "Benign"; Align-GVGD: "Class C0"). In summary, the available evidence is currently insufficient to determine the role of this variant in disease. Therefore, it has been classified as a Variant of Uncertain Significance.

Illumina Laboratory Services, Illumina
Classification: Uncertain significance for Autosomal recessive nonsyndromic hearing loss 9. Last evaluated: 2018-01-13. Review status: criteria provided, single submitter. Criteria: ICSL Variant Classification Criteria 13 December 2019. Collection method: clinical testing. Allele origin: germline.

NM_194248.3(OTOF):c.2419C>A (p.Gln807Lys)

Gene: OTOF (otoferlin; minus strand). Cytogenetic location: 2p23.3.
Variant type: single nucleotide variant.
Coding change: c.2419C>A on transcript NM_194248.3 (MANE Select); coding-DNA position 2419, C replaced by A.
Protein change: p.Gln807Lys; replaces glutamine 807 with lysine.
Molecular consequence: missense variant.
Genome position (GRCh38, 1-based): chr2:26,477,276, G>T on the plus strand (C>A on the coding strand, the complement: OTOF is on the minus strand). VCF-style: chr2-26477276-G-T. GRCh37 (hg19) VCF-style: chr2-26700144-G-T.
Other names: c.2419C>A, p.Gln807Lys (NM_001287489.2); c.178C>A, p.Gln60Lys (NM_004802.4, NM_194323.3); c.349C>A, p.Gln117Lys (NM_194322.3); short protein forms Q807K, Q117K, Q60K.
Identifiers: ClinVar variation 895096 (VCV000895096.5), dbSNP rs750423841, ClinGen allele CA1563902.